The following is an entry in ClinVar:

NM_138393.4(REEP6):c.1A>G (p.Met1Val)

Genes: REEP6 (receptor accessory protein 6; plus strand), LOC130062962 (ATAC-STARR-seq lymphoblastoid silent region 9723; plus strand). Cytogenetic location: 19p13.3.
Variant type: single nucleotide variant.
Coding change: c.1A>G on transcript NM_138393.4 (MANE Select); coding-DNA position 1, A replaced by G.
Protein change: p.Met1Val; changes the start codon (methionine 1).
Molecular consequence: missense variant, initiator codon variant.
Genome position (GRCh38, 1-based): chr19:1,491,270, A>G. VCF-style: chr19-1491270-A-G. GRCh37 (hg19) VCF-style: chr19-1491269-A-G.
Other names: c.1A>G (NM_001329556.2); c.1A>G, p.Met1Val (NM_001329556.3); short protein forms M1V.
Identifiers: ClinVar variation 842904 (VCV000842904.11), dbSNP rs374884010, ClinGen allele CA9047369.
Genomic context (GRCh38, chr19:1,491,270, plus strand): 5'-GGGGTGGGTGCCCTGGTCCGCGGGCGAGCTCGAGCAGCCAACCCCGGGCGCGTCGGGGCC[A>G]TGGACGGCCTGAGGCAGCGCGTGGAGCACTTCCTGGAGCAAAGGAACCTGGTCACCGAAG-3'
Protein context (NP_612402.1, residues 1-11): [Met1Val]DGLRQRVEHF

ClinVar aggregate classification (germline): Pathogenic/Likely pathogenic. Review status: criteria provided, multiple submitters, no conflicts (2 of 4 stars). 3 submissions from 3 submitters: Pathogenic (2); Likely pathogenic (1). Last evaluated 2025-01-27.

Conditions:
REEP6-related disorder. Also called: REEP6-related condition.

Allele frequency attached by ClinVar (database versions not stated): ExAC below 0.00001; gnomAD exomes below 0.00001 and 0.00001; gnomAD 0.00002; TOPMed 0.00002; ESP Exome Variant Server 0.00009.

Submissions (3):

Labcorp Genetics (formerly Invitae), Labcorp
Classification: Pathogenic. Last evaluated: 2025-01-27. Review status: criteria provided, single submitter. Criteria: Invitae Variant Classification Sherloc (09022015). Collection method: clinical testing. Allele origin: germline.
Comment: This sequence change affects the initiator methionine of the REEP6 mRNA. The next in-frame methionine is located at codon 124. This variant is present in population databases (rs374884010, gnomAD 0.05%). This variant has not been reported in the literature in individuals affected with REEP6-related conditions. ClinVar contains an entry for this variant (Variation ID: 842904). This variant disrupts a region of the REEP6 protein in which other variant(s) (p.Glu75Lys) have been determined to be pathogenic (PMID: 28369466, 36284460, 36819107; internal data). This suggests that this is a clinically significant region of the protein, and that variants that disrupt it are likely to be disease-causing. For these reasons, this variant has been classified as Pathogenic.

GeneDx
Classification: Pathogenic. Last evaluated: 2024-12-28. Review status: criteria provided, single submitter. Criteria: GeneDx Variant Classification Process June 2021. Collection method: clinical testing. Allele origin: germline. Affected: yes.
Comment: Initiation codon variant in a gene for which loss of function is a known mechanism of disease; Not observed at significant frequency in large population cohorts (gnomAD); Reported previously in an unaffected carrier; however, no further information was provided (PMID: 31964843); This variant is associated with the following publications: (PMID: 31964843)

Blueprint Genetics
Classification: Likely pathogenic for REEP6-related disorders. Last evaluated: 2019-04-09. Review status: criteria provided, single submitter. Criteria: ACMG Guidelines, 2015. Collection method: clinical testing. Allele origin: germline. Affected: yes. Observed: 1 variant allele.

Literature cited by the submitters: PubMed 28369466 (cited by Labcorp Genetics (formerly Invitae), Labcorp); PubMed 36284460 (cited by Labcorp Genetics (formerly Invitae), Labcorp); PubMed 36819107 (cited by Labcorp Genetics (formerly Invitae), Labcorp).